The following is an entry in ClinVar:

NM_000138.5(FBN1):c.8495G>A (p.Ser2832Asn)

Gene: FBN1 (fibrillin 1; minus strand). Cytogenetic location: 15q21.1.
Variant type: single nucleotide variant.
Coding change: c.8495G>A on transcript NM_000138.5 (MANE Select); coding-DNA position 8495, G replaced by A.
Protein change: p.Ser2832Asn; replaces serine 2832 with asparagine.
Molecular consequence: missense variant.
Genome position (GRCh38, 1-based): chr15:48,411,111, C>T on the plus strand (G>A on the coding strand, the complement: FBN1 is on the minus strand). VCF-style: chr15-48411111-C-T. GRCh37 (hg19) VCF-style: chr15-48703308-C-T.
Other names: short protein forms S2832N.
Identifiers: ClinVar variation 918186 (VCV000918186.6), dbSNP rs571906167, ClinGen allele CA060095.

ClinVar aggregate classification (germline): Conflicting classifications of pathogenicity. Review status: criteria provided, conflicting classifications (1 of 4 stars). 3 submissions from 3 submitters: Uncertain significance (2); Likely benign (1). Last evaluated 2026-07-02.

Conditions:
Familial thoracic aortic aneurysm and aortic dissection (TAAD). Also called: Thoracic aortic aneurysms and dissections. Identifiers: Orphanet 91387, MedGen C4707243, MONDO:0019625.
Marfan syndrome (MFS). Also called: MARFAN SYNDROME, TYPE I; Marfan syndrome type 1; Marfan's syndrome; Marfan syndrome, classic; FBN1-Related Marfan Syndrome. Identifiers: Orphanet 284963, Orphanet 558, MedGen C0024796, MONDO:0007947, OMIM 154700.

Allele frequency attached by ClinVar (database versions not stated): 1000 Genomes Project 30x 0.00016; ExAC 0.00002; gnomAD exomes 0.00002; 1000 Genomes Project 0.00020.
gnomAD v4.1: 11 of 1,614,104 alleles (0.00068%); highest among the groups gnomAD compares: South Asian, 0.012%; no homozygotes.

Submissions (3):

Ambry Genetics
Classification: Likely benign for Familial thoracic aortic aneurysm and aortic dissection. Last evaluated: 2026-07-02. Review status: criteria provided, single submitter. Criteria: Ambry Variant Classification Scheme 2023. Collection method: clinical testing. Allele origin: germline.

Color Diagnostics, LLC DBA Color Health
Classification: Uncertain significance for Familial thoracic aortic aneurysm and aortic dissection. Last evaluated: 2023-12-05. Review status: criteria provided, single submitter. Criteria: ACMG Guidelines, 2015. Collection method: clinical testing. Allele origin: germline.
Comment: This missense variant replaces serine with asparagine at codon 2832 of the FBN1 protein. Computational prediction suggests that this variant may not impact protein structure and function (internally defined REVEL score threshold <= 0.5, PMID: 27666373). To our knowledge, functional studies have not been reported for this variant. This variant has not been reported in individuals affected with FBN1-related disorders in the literature. This variant has been identified in 6/251354 chromosomes in the general population by the Genome Aggregation Database (gnomAD). The available evidence is insufficient to determine the role of this variant in disease conclusively. Therefore, this variant is classified as a Variant of Uncertain Significance.

All of Us Research Program, National Institutes of Health
Classification: Uncertain significance for Marfan syndrome. Last evaluated: 2023-08-15. Review status: criteria provided, single submitter. Criteria: ACMG Guidelines, 2015. Collection method: clinical testing. Allele origin: germline. Inheritance: Autosomal dominant inheritance. Observed: 1 variant allele, 1 heterozygote.
Comment: This study involves interpretation of variants in research participants for the purpose of population health screening. Participant phenotype was not available at the time of variant classification. Additional details can be found in publication PMID: 35346344, PMCID: PMC8962531